The following is an entry in ClinVar:

NM_018136.5(ASPM):c.1154_1155del (p.Glu385fs)

Gene: ASPM (assembly factor for spindle microtubules; minus strand). Cytogenetic location: 1q31.3.
Variant type: Microsatellite.
Coding change: c.1154_1155del on transcript NM_018136.5 (MANE Select); coding-DNA positions 1154 to 1155, 2 bases deleted (AG; older notation c.1154_1155delAG).
Protein change: p.Glu385fs; shifts the reading frame from glutamic acid 385.
Molecular consequence: frameshift variant.
Genome position (GRCh38, 1-based): chr1:197,143,097-197,143,098, CT deleted on the plus strand (AG on the coding strand, the reverse complement: ASPM is on the minus strand); deleting any 2 consecutive bases within chr1:197,143,097-197,143,100 gives the same sequence; the c. name uses the placement nearest the transcript's 3' end. VCF-style (leftmost placement, unchanged base first): chr1-197143096-ACT-A. GRCh37 (hg19) VCF-style: chr1-197112226-ACT-A.
Other names: c.1154_1155del (NM_018136.4); c.1154_1155delAG (NM_018136.4); c.1154_1155del, p.Glu385fs (NM_001206846.2); c.1152_1153delAG (NM_018136.4); short protein forms E385fs.
Identifiers: ClinVar variation 234465 (VCV000234465.20), dbSNP rs199422137, ClinGen allele CA342213.

ClinVar aggregate classification (germline): Pathogenic. Review status: criteria provided, multiple submitters, no conflicts (2 of 4 stars). 8 submissions from 8 submitters: Pathogenic (7). 1 of the submissions does not count toward it. Last evaluated 2025-08-22.

Conditions:
Developmental and epileptic encephalopathy 116. Identifiers: MedGen C5935615, MONDO:0970945, OMIM 620806.
Microcephaly 5, primary, autosomal recessive (MCPH5). Also called: ASPM Primary Microcephaly. Identifiers: Orphanet 2512, MedGen C1837501, MONDO:0012106, OMIM 608716.

Submissions (8):

Variantyx, Inc.
Classification: Pathogenic for Developmental and epileptic encephalopathy 116. Last evaluated: 2025-08-22. Review status: criteria provided, single submitter. Criteria: Variantyx Assertion Criteria 2022. Collection method: clinical testing. Allele origin: germline. Inheritance: Autosomal recessive inheritance. Affected: yes.
Comment: This is a frameshift variant in the ASPM gene (OMIM: 605481). Pathogenic variants in this gene have been associated with autosomal recessive primary microcephaly 5. This variant introduces a premature termination codon in exon 3 out of 28 and is expected to result in loss of function, which is a known disease mechanism for ASPM in this disorder (PMID: 19028728, 23611254) (PVS1). This variant has been identified in the homozygous state in at least one individual reported in the published literature (PMID: 37599996) (PM3). It has a 0.0150% maximum allele frequency in non-founder control populations (PM2). Based on the current evidence, this variant is classified as pathogenic for autosomal recessive primary microcephaly 5.

3billion
Classification: Pathogenic for Microcephaly 5, primary, autosomal recessive. Last evaluated: 2025-06-18. Review status: criteria provided, single submitter. Criteria: ACMG Guidelines, 2015. Collection method: clinical testing. Allele origin: germline. Affected: yes.
Comment: The variant is observed at an extremely low frequency in the gnomAD v4.1.0 dataset (total allele frequency: <0.001%). Predicted Consequence/Location: Frameshift: predicted to result in a loss or disruption of normal protein function through nonsense-mediated decay (NMD) or protein truncation. Multiple pathogenic variants are reported downstream of the variant. The variant has been reported at least twice as pathogenic with clinical assertions and evidence for the classification (ClinVar ID: VCV000234465 /PMID: 19028728). Therefore, this variant is classified as Pathogenic according to the recommendation of ACMG/AMP guideline.

Labcorp Genetics (formerly Invitae), Labcorp
Classification: Pathogenic. Last evaluated: 2025-01-05. Review status: criteria provided, single submitter. Criteria: Invitae Variant Classification Sherloc (09022015). Collection method: clinical testing. Allele origin: germline.
Comment: This sequence change creates a premature translational stop signal (p.Glu385Valfs*3) in the ASPM gene. It is expected to result in an absent or disrupted protein product. Loss-of-function variants in ASPM are known to be pathogenic (PMID: 19028728, 23611254). This variant is present in population databases (rs753424199, gnomAD 0.02%). This premature translational stop signal has been observed in individual(s) with primary microcephaly (PMID: 19028728). This variant is also known as c.1152_1153delAG (p.Ser384fs). ClinVar contains an entry for this variant (Variation ID: 234465). For these reasons, this variant has been classified as Pathogenic.

GeneDx
Classification: Pathogenic. Last evaluated: 2023-10-31. Review status: criteria provided, single submitter. Criteria: GeneDx Variant Classification Process June 2021. Collection method: clinical testing. Allele origin: germline. Affected: yes.
Comment: Reported previously using alternate nomenclature c.1152_1153delAG in the heterozygous state with a second ASPM variant an individual with congenital microcephaly, but it is not known whether the variants occurred on the same (in cis) or on different (in trans) chromosomes (PMID: 19028728); Frameshift variant predicted to result in protein truncation or nonsense mediated decay in a gene for which loss of function is a known mechanism of disease; This variant is associated with the following publications: (PMID: 35568357, 37599996, 19028728)

Genome-Nilou Lab
Classification: Pathogenic for Microcephaly 5, primary, autosomal recessive. Last evaluated: 2023-04-11. Review status: criteria provided, single submitter. Criteria: ACMG Guidelines, 2015. Collection method: clinical testing. Allele origin: germline. Affected: no.

Genetic Services Laboratory, University of Chicago
Classification: Pathogenic for Microcephaly 5, primary, autosomal recessive. Last evaluated: 2013-02-08. Review status: criteria provided, single submitter. Criteria: ACMG Guidelines, 2007. Collection method: clinical testing. Allele origin: germline. Affected: yes.

Department of Medical Genetics, Sanjay Gandhi Post Graduate Institute of Medical Sciences
Classification: Pathogenic for Microcephaly 5, primary, autosomal recessive. Review status: criteria provided, single submitter. Criteria: ACMG Guidelines, 2015. Collection method: research. Allele origin: germline. Inheritance: Autosomal recessive inheritance. Affected: yes. Observed: 1 variant allele, 1 homozygote.

GeneReviews
No classification provided. Condition: Microcephaly 5, primary, autosomal recessive. Review status: no classification provided. Collection method: literature only. Allele origin: unknown. Not counted in ClinVar's aggregate classification.

Literature cited by the submitters: PubMed 37599996 (cited by Variantyx, Inc.); PubMed 19028728 (cited by 3 submitters); PubMed 23611254 (cited by Variantyx, Inc. and Labcorp Genetics (formerly Invitae), Labcorp); PubMed 20301772 (cited by GeneReviews); NCBI Bookshelf NBK9587 (cited by GeneReviews).